The following is an entry in ClinVar:

NM_007294.3(BRCA1):c.238_239delAGins22 (p.?)

Gene: BRCA1 (BRCA1 DNA repair associated; minus strand). Cytogenetic location: 17q21.31.
Variant type: Indel.
Coding change: c.238_239delAGins22 on transcript NM_007294.3; coding-DNA positions 238 to 239, 2 bases deleted.
Protein change: p.?.
Identifiers: ClinVar variation 142825 (VCV000142825.2).

ClinVar aggregate classification (germline): Pathogenic (1 of 4 stars; one submission).

Conditions:
Hereditary cancer-predisposing syndrome. Also called: Hereditary Cancer Syndrome; Neoplastic Syndromes, Hereditary; Hereditary neoplastic syndrome; Tumor predisposition. Identifiers: Orphanet 140162, MedGen C0027672, MeSH D009386, MONDO:0015356.

Submission:

Ambry Genetics
Classification: Pathogenic for Hereditary cancer-predisposing syndrome. Last evaluated: 2014-03-14. Review status: criteria provided, single submitter. Criteria: Ambry Autosomal Dominant and X-Linked criteria (10/2015). Collection method: clinical testing. Allele origin: germline. Observed: 1 variant allele.
Comment: Lines of evidence used in support of classification: Alterations resulting in premature truncation (e.g.reading frame shift, nonsense)